The following is an entry in ClinVar:

NM_001042646.3(TRAK1):c.2054G>A (p.Arg685Gln)

Gene: TRAK1 (trafficking kinesin protein 1; plus strand). Cytogenetic location: 3p22.1.
Variant type: single nucleotide variant.
Coding change: c.2054G>A on transcript NM_001042646.3 (MANE Select); coding-DNA position 2054, G replaced by A.
Protein change: p.Arg685Gln; replaces arginine 685 with glutamine.
Molecular consequence: missense variant. On other transcripts: non-coding transcript variant (1).
Genome position (GRCh38, 1-based): chr3:42,219,584, G>A. VCF-style: chr3-42219584-G-A. GRCh37 (hg19) VCF-style: chr3-42261076-G-A.
Other names: c.1679G>A, p.Arg560Gln (NM_001349245.1); c.1991G>A, p.Arg664Gln (NM_001349246.2); c.2054G>A, p.Arg685Gln (NM_001349247.2); c.1769G>A, p.Arg590Gln (NM_001349248.1); c.1832G>A, p.Arg611Gln (NM_001349249.1); c.2054G>A (NM_001042646.1, NM_001042646.2); short protein forms R560Q, R664Q, R590Q, R611Q, R685Q.
Identifiers: ClinVar variation 1370337 (VCV001370337.37), dbSNP rs149186690, ClinGen allele CA2333755.

ClinVar aggregate classification (germline): Benign/Likely benign. Review status: criteria provided, multiple submitters, no conflicts (2 of 4 stars). 4 submissions from 4 submitters: Benign (1); Likely benign (2). 1 of the submissions does not count toward it. Last evaluated 2026-06-01.

Conditions:
Inborn genetic diseases. Identifiers: MedGen C0950123, MeSH D030342.
TRAK1-related disorder. Also called: TRAK1-related condition.

Allele frequency attached by ClinVar (database versions not stated): ExAC 0.00077; gnomAD exomes 0.00087 and 0.00183; 1000 Genomes Project 0.00100; gnomAD 0.00123 and 0.00124; TOPMed 0.00128; ESP Exome Variant Server 0.00138; 1000 Genomes Project 30x 0.00141.
gnomAD v4.1: 2,855 of 1,613,760 alleles (0.18%); highest among the groups gnomAD compares: Non-Finnish European, 0.23%; 2 homozygotes.

Submissions (4):

CeGaT Center for Human Genetics Tuebingen
Classification: Likely benign. Last evaluated: 2026-06-01. Review status: criteria provided, single submitter. Criteria: CeGaT Center For Human Genetics Tuebingen Variant Classification Criteria Version 2. Collection method: clinical testing. Allele origin: germline. Affected: yes. Observed: 3 variant alleles.
Comment: TRAK1: BS2

Labcorp Genetics (formerly Invitae), Labcorp
Classification: Benign. Last evaluated: 2025-12-23. Review status: criteria provided, single submitter. Criteria: Invitae Variant Classification Sherloc (09022015). Collection method: clinical testing. Allele origin: germline.

Ambry Genetics
Classification: Likely benign for Inborn genetic diseases. Last evaluated: 2021-12-07. Review status: criteria provided, single submitter. Criteria: Ambry Variant Classification Scheme 2023. Collection method: clinical testing. Allele origin: germline.

PreventionGenetics, part of Exact Sciences
Classification: Likely benign for TRAK1-related condition. Last evaluated: 2023-06-07. Review status: no assertion criteria provided. Collection method: clinical testing. Allele origin: germline. Not counted in ClinVar's aggregate classification.
Comment: This variant is classified as likely benign based on ACMG/AMP sequence variant interpretation guidelines (Richards et al. 2015 PMID: 25741868, with internal and published modifications).